The following is an entry in ClinVar:

ClinVar aggregate classification (germline): Uncertain significance. Review status: criteria provided, multiple submitters, no conflicts (2 of 4 stars). 5 submissions from 5 submitters: Uncertain significance (4). 1 of the submissions does not count toward it. Last evaluated 2026-01-20.

Conditions:
Hereditary cancer-predisposing syndrome. Also called: Neoplastic Syndromes, Hereditary; Hereditary Cancer Syndrome; Tumor predisposition; Hereditary neoplastic syndrome. Identifiers: Orphanet 140162, MedGen C0027672, MeSH D009386, MONDO:0015356.
Ataxia-telangiectasia syndrome (AT). Also called: LOUIS-BAR SYNDROME; Cerebello-oculocutaneous telangiectasia; Immunodeficiency with ataxia telangiectasia; Ataxia-telangiectasia, complementation group D; AT, COMPLEMENTATION GROUP C; Ataxia-telangiectasia, complementation group E. Identifiers: Orphanet 100, MedGen C0004135, MONDO:0008840, OMIM 208900.

Allele frequency attached by ClinVar (database versions not stated): gnomAD 0.00001.
gnomAD v4.1: 1 of 1,614,036 alleles (0.000062%); highest among the groups gnomAD compares: Non-Finnish European, 0.000085%; no homozygotes.

Submissions (5):

Labcorp Genetics (formerly Invitae), Labcorp
Classification: Uncertain significance for Ataxia-telangiectasia syndrome. Last evaluated: 2026-01-20. Review status: criteria provided, single submitter. Criteria: Invitae Variant Classification Sherloc (09022015). Collection method: clinical testing. Allele origin: germline.
Comment: This sequence change replaces glutamic acid, which is acidic and polar, with lysine, which is basic and polar, at codon 2290 of the ATM protein (p.Glu2290Lys). This variant is present in population databases (no rsID available, gnomAD 0.007%). This variant has not been reported in the literature in individuals affected with ATM-related conditions. ClinVar contains an entry for this variant (Variation ID: 482670). Invitae Evidence Modeling of protein sequence and biophysical properties (such as structural, functional, and spatial information, amino acid conservation, physicochemical variation, residue mobility, and thermodynamic stability) indicates that this missense variant is not expected to disrupt ATM protein function with a negative predictive value of 95%. In summary, the available evidence is currently insufficient to determine the role of this variant in disease. Therefore, it has been classified as a Variant of Uncertain Significance.

GeneDx
Classification: Uncertain significance. Last evaluated: 2025-05-29. Review status: criteria provided, single submitter. Criteria: GeneDx Variant Classification Process June 2021. Collection method: clinical testing. Allele origin: germline. Affected: yes.
Comment: Not observed at significant frequency in large population cohorts (gnomAD); In silico analysis suggests that this missense variant does not alter protein structure/function; Has not been previously published as pathogenic or benign to our knowledge; This variant is associated with the following publications: (PMID: 23532176)

Ambry Genetics
Classification: Uncertain significance for Hereditary cancer-predisposing syndrome. Last evaluated: 2025-02-11. Review status: criteria provided, single submitter. Criteria: Ambry Variant Classification Scheme 2023. Collection method: clinical testing. Allele origin: germline.
Comment: The p.E2290K variant (also known as c.6868G>A), located in coding exon 46 of the ATM gene, results from a G to A substitution at nucleotide position 6868. The glutamic acid at codon 2290 is replaced by lysine, an amino acid with similar properties. This amino acid position is not well conserved in available vertebrate species. In addition, this alteration is predicted to be tolerated by in silico analysis. Based on the available evidence, the clinical significance of this variant remains unclear.

Color Diagnostics, LLC DBA Color Health
Classification: Uncertain significance for Hereditary cancer-predisposing syndrome. Last evaluated: 2023-12-05. Review status: criteria provided, single submitter. Criteria: ACMG Guidelines, 2015. Collection method: clinical testing. Allele origin: germline.
Comment: This missense variant replaces glutamic acid with lysine at codon 2290 of the ATM protein. Computational prediction suggests that this variant may not impact protein structure and function (internally defined REVEL score threshold <= 0.5, PMID: 27666373). To our knowledge, functional studies have not been reported for this variant. This variant has not been reported in individuals affected with ATM-related disorders in the literature. This variant has been identified in 1/31398 chromosomes in the general population by the Genome Aggregation Database (gnomAD). The available evidence is insufficient to determine the role of this variant in disease conclusively. Therefore, this variant is classified as a Variant of Uncertain Significance.

Natera, Inc.
Classification: Uncertain significance for Ataxia-telangiectasia. Last evaluated: 2020-01-24. Review status: no assertion criteria provided. Collection method: clinical testing. Allele origin: germline. Not counted in ClinVar's aggregate classification.

NM_000051.4(ATM):c.6868G>A (p.Glu2290Lys)

Genes: C11orf65 (chromosome 11 open reading frame 65; minus strand), ATM (ATM serine/threonine kinase; plus strand). Cytogenetic location: 11q22.3.
Variant type: single nucleotide variant.
Coding change: c.6868G>A on transcript NM_000051.4 (MANE Select); coding-DNA position 6868, G replaced by A.
Protein change: p.Glu2290Lys; replaces glutamic acid 2290 with lysine.
Molecular consequence: missense variant. On other transcripts: intron variant (2).
Genome position (GRCh38, 1-based): chr11:108,326,118, G>A. VCF-style: chr11-108326118-G-A. GRCh37 (hg19) VCF-style: chr11-108196845-G-A.
Other names: c.6868G>A, p.Glu2290Lys (NM_001351834.2); c.641-17047C>T (NM_001330368.2); c.*38+9102C>T (NM_001351110.2); short protein forms E2290K.
Identifiers: ClinVar variation 482670 (VCV000482670.20), dbSNP rs1479339581, ClinGen allele CA382556759.